The following is an entry in ClinVar:

NM_001374353.1(GLI2):c.493G>T (p.Gly165Cys)

Gene: GLI2 (GLI family zinc finger 2; plus strand). Cytogenetic location: 2q14.2.
Variant type: single nucleotide variant.
Coding change: c.493G>T on transcript NM_001374353.1 (MANE Select); coding-DNA position 493, G replaced by T.
Protein change: p.Gly165Cys; replaces glycine 165 with cysteine.
Molecular consequence: missense variant.
Genome position (GRCh38, 1-based): chr2:120,955,280, G>T. VCF-style: chr2-120955280-G-T. GRCh37 (hg19) VCF-style: chr2-121712856-G-T.
Other names: c.493G>T (NM_005270.4); c.493G>T, p.Gly165Cys (NM_001371271.1, NM_005270.5); c.118G>T, p.Gly40Cys (NM_001374354.1); short protein forms G40C, G165C.
Identifiers: ClinVar variation 2935482 (VCV002935482.4), dbSNP rs922060710, ClinGen allele CA54414461.
Genomic context (GRCh38, chr2:120,955,280, plus strand): 5'-TTCTTTCTCTCCCCTCTGCCCACAGTGGCCCAGGAGCACCTTAAGGAGAGGGGACTGTTT[G>T]GCCTTCCTGCTCCAGGCACCACCCCCTCAGACTATTACCACCAGATGACCCTCGTGGCAG-3'
Protein context (NP_001361282.1, residues 155-175): QEHLKERGLF[Gly165Cys]LPAPGTTPSD

ClinVar aggregate classification (germline): Uncertain significance. Review status: criteria provided, multiple submitters, no conflicts (2 of 4 stars). 2 submissions from 2 submitters: Uncertain significance (2). Last evaluated 2025-01-24.

Conditions:
GLI2-related disorder. Also called: GLI2-related disorders; GLI2-related condition.
Postaxial polydactyly-anterior pituitary anomalies-facial dysmorphism syndrome. Also called: Culler-Jones syndrome. Identifiers: Orphanet 420584, MedGen C4014479, MONDO:0014369, OMIM 615849.
Holoprosencephaly 9 (HPE9). Also called: HOLOPROSENCEPHALY WITH MICROPHTHALMIA AND FIRST BRANCHIAL ARCH ANOMALIES; PITUITARY ANOMALIES WITH HOLOPROSENCEPHALY-LIKE FEATURES. Identifiers: Orphanet 2162, MedGen C1835819, MONDO:0012563, OMIM 610829.

Allele frequency attached by ClinVar (database versions not stated): gnomAD exomes below 0.00001.
gnomAD v4.1: 2 of 1,605,576 alleles (0.00012%); highest among the groups gnomAD compares: Non-Finnish European, 0.00017%; no homozygotes.

Submissions (2):

PreventionGenetics, part of Exact Sciences
Classification: Uncertain significance for GLI2-related condition. Last evaluated: 2025-01-24. Review status: criteria provided, single submitter. Criteria: ACMG Guidelines, 2015. Collection method: clinical testing. Allele origin: germline.
Comment: The GLI2 c.493G>T variant is predicted to result in the amino acid substitution p.Gly165Cys. To our knowledge, this variant has not been reported in the literature in individuals with GLI2-related disorders. This variant has not been reported in a large population database (gnomAD), indicating this variant is rare. At this time, the clinical significance of this variant is uncertain due to the absence of conclusive functional and genetic evidence.

Labcorp Genetics (formerly Invitae), Labcorp
Classification: Uncertain significance for Postaxial polydactyly-anterior pituitary anomalies-facial dysmorphism syndrome; Holoprosencephaly 9. Last evaluated: 2025-01-01. Review status: criteria provided, single submitter. Criteria: Invitae Variant Classification Sherloc (09022015). Collection method: clinical testing. Allele origin: germline.
Comment: This sequence change replaces glycine, which is neutral and non-polar, with cysteine, which is neutral and slightly polar, at codon 165 of the GLI2 protein (p.Gly165Cys). This variant is not present in population databases (gnomAD no frequency). This variant has not been reported in the literature in individuals affected with GLI2-related conditions. ClinVar contains an entry for this variant (Variation ID: 2935482). An algorithm developed to predict the effect of missense changes on protein structure and function (PolyPhen-2) suggests that this variant is likely to be disruptive. In summary, the available evidence is currently insufficient to determine the role of this variant in disease. Therefore, it has been classified as a Variant of Uncertain Significance.